The following is an entry in ClinVar:

ClinVar aggregate classification (germline): Uncertain significance. Review status: criteria provided, multiple submitters, no conflicts (2 of 4 stars). 3 submissions from 3 submitters: Uncertain significance (3). Last evaluated 2022-04-04.

Conditions:
Inborn genetic diseases. Identifiers: MedGen C0950123, MeSH D030342.
Multiple gastrointestinal atresias. Also called: Multiple intestinal atresia; FAMILIAL INTESTINAL POLYATRESIA SYNDROME. Identifiers: Orphanet 2300, MedGen C0220744, MONDO:0009465.

Allele frequency attached by ClinVar (database versions not stated): gnomAD 0.00001; TOPMed 0.00001; ExAC 0.00002; gnomAD exomes 0.00002.

Submissions (3):

Labcorp Genetics (formerly Invitae), Labcorp
Classification: Uncertain significance for Multiple gastrointestinal atresias. Last evaluated: 2022-04-04. Review status: criteria provided, single submitter. Criteria: Invitae Variant Classification Sherloc (09022015). Collection method: clinical testing. Allele origin: germline.
Comment: This sequence change replaces arginine, which is basic and polar, with glutamine, which is neutral and polar, at codon 405 of the TTC7A protein (p.Arg405Gln). This variant is present in population databases (rs768367263, gnomAD 0.003%). This variant has not been reported in the literature in individuals affected with TTC7A-related conditions. ClinVar contains an entry for this variant (Variation ID: 1016814). Algorithms developed to predict the effect of missense changes on protein structure and function are either unavailable or do not agree on the potential impact of this missense change (SIFT: "Deleterious"; PolyPhen-2: "Probably Damaging"; Align-GVGD: "Class C0"). In summary, the available evidence is currently insufficient to determine the role of this variant in disease. Therefore, it has been classified as a Variant of Uncertain Significance.

Ambry Genetics
Classification: Uncertain significance for Inborn genetic diseases. Last evaluated: 2021-08-30. Review status: criteria provided, single submitter. Criteria: Ambry Variant Classification Scheme 2023. Collection method: clinical testing. Allele origin: germline.

Breakthrough Genomics
Classification: Uncertain significance. Review status: criteria provided, single submitter. Criteria: ACMG Guidelines, 2015. Collection method: not provided. Allele origin: germline. Inheritance: Autosomal recessive inheritance. Affected: yes.

NM_020458.4(TTC7A):c.1214G>A (p.Arg405Gln)

Gene: TTC7A (tetratricopeptide repeat domain 7A; plus strand). Cytogenetic location: 2p21.
Variant type: single nucleotide variant.
Coding change: c.1214G>A on transcript NM_020458.4 (MANE Select); coding-DNA position 1214, G replaced by A.
Protein change: p.Arg405Gln; replaces arginine 405 with glutamine.
Molecular consequence: missense variant.
Genome position (GRCh38, 1-based): chr2:47,006,651, G>A. VCF-style: chr2-47006651-G-A. GRCh37 (hg19) VCF-style: chr2-47233790-G-A.
Other names: c.1214G>A, p.Arg405Gln (NM_001288951.2); c.1112G>A, p.Arg371Gln (NM_001288953.2); c.152G>A, p.Arg51Gln (NM_001288955.2); c.1214G>A (NM_020458.2); short protein forms R371Q, R405Q, R51Q.
Identifiers: ClinVar variation 1016814 (VCV001016814.8), dbSNP rs768367263, ClinGen allele CA1647568.